The following is an entry in ClinVar:

ClinVar aggregate classification (germline): Benign. Review status: criteria provided, multiple submitters, no conflicts (2 of 4 stars). 4 submissions from 4 submitters: Benign (4). Last evaluated 2021-05-06.

Conditions:
Acral peeling skin syndrome. Also called: Peeling skin syndrome 2. Identifiers: Orphanet 263534, MedGen C1853354, MONDO:0012345, OMIM 609796.

Allele frequency attached by ClinVar (database versions not stated): gnomAD exomes 0.00340 and 0.00797; ExAC 0.00945; 1000 Genomes Project 0.02556; 1000 Genomes Project 30x 0.02577; gnomAD 0.02789 and 0.02998; TOPMed 0.02928; ESP Exome Variant Server 0.03046.
gnomAD v4.1: 9,473 of 1,614,100 alleles (0.59%); highest among the groups gnomAD compares: African/African-American, 9.2%; 366 homozygotes.

Submissions (4):

GeneDx
Classification: Benign. Last evaluated: 2021-05-06. Review status: criteria provided, single submitter. Criteria: GeneDx Variant Classification Process June 2021. Collection method: clinical testing. Allele origin: germline. Affected: yes.

Labcorp Genetics (formerly Invitae), Labcorp
Classification: Benign. Last evaluated: 2019-12-31. Review status: criteria provided, single submitter. Criteria: Invitae Variant Classification Sherloc (09022015). Collection method: clinical testing. Allele origin: germline.

Illumina Laboratory Services, Illumina
Classification: Benign for Acral peeling skin syndrome. Last evaluated: 2018-01-12. Review status: criteria provided, single submitter. Criteria: ICSL Variant Classification Criteria 13 December 2019. Collection method: clinical testing. Allele origin: germline.
Comment: This variant was observed in the ICSL laboratory as part of a predisposition screen in an ostensibly healthy population. It had not been previously curated by ICSL or reported in the Human Gene Mutation Database (HGMD: prior to June 1st, 2018), and was therefore a candidate for classification through an automated scoring system. Utilizing variant allele frequency, disease prevalence and penetrance estimates, and inheritance mode, an automated score was calculated to assess if this variant is too frequent to cause the disease. Based on the score and internal cut-off values, a variant classified as benign is not then subjected to further curation. The score for this variant resulted in a classification of benign for this disease.

Breakthrough Genomics
Classification: Benign. Review status: criteria provided, single submitter. Criteria: ACMG Guidelines, 2015. Collection method: not provided. Allele origin: germline. Inheritance: Autosomal recessive inheritance. Affected: yes.

NM_201631.4(TGM5):c.44C>G (p.Ser15Cys)

Gene: TGM5 (transglutaminase 5; minus strand). Cytogenetic location: 15q15.2.
Variant type: single nucleotide variant.
Coding change: c.44C>G on transcript NM_201631.4 (MANE Select); coding-DNA position 44, C replaced by G.
Protein change: p.Ser15Cys; replaces serine 15 with cysteine.
Molecular consequence: missense variant.
Genome position (GRCh38, 1-based): chr15:43,260,546, G>C on the plus strand (C>G on the coding strand, the complement: TGM5 is on the minus strand). VCF-style: chr15-43260546-G-C. GRCh37 (hg19) VCF-style: chr15-43552744-G-C.
Other names: c.44C>G, p.Ser15Cys (NM_004245.4); short protein forms S15C.
Identifiers: ClinVar variation 316064 (VCV000316064.11), dbSNP rs61744878, ClinGen allele CA7521456.